The following is an entry in ClinVar:

ClinVar aggregate classification (germline): Uncertain significance. Review status: criteria provided, multiple submitters, no conflicts (2 of 4 stars). 2 submissions from 2 submitters: Uncertain significance (2). Last evaluated 2025-08-06.

Conditions:
Cardiovascular phenotype. Identifiers: MedGen CN230736.
Hereditary cancer-predisposing syndrome. Also called: Hereditary neoplastic syndrome; Tumor predisposition; Neoplastic Syndromes, Hereditary; Hereditary Cancer Syndrome. Identifiers: Orphanet 140162, MedGen C0027672, MeSH D009386, MONDO:0015356.
Neurofibromatosis, type 1 (NF1). Also called: Peripheral type neurofibromatosis; Neurofibromatosis, type I; VON RECKLINGHAUSEN DISEASE; NEUROFIBROMATOSIS, TYPE I, SOMATIC. Identifiers: Orphanet 636, MedGen C0027831, MONDO:0018975, OMIM 162200. Disease mechanism: loss of function.

Allele frequency attached by ClinVar (database versions not stated): gnomAD 0.00001; TOPMed 0.00001.
gnomAD v4.1: 2 of 1,613,762 alleles (0.00012%); highest among the groups gnomAD compares: African/African-American, 0.0027%; no homozygotes.

Submissions (2):

Labcorp Genetics (formerly Invitae), Labcorp
Classification: Uncertain significance for Neurofibromatosis, type 1. Last evaluated: 2025-08-06. Review status: criteria provided, single submitter. Criteria: Invitae Variant Classification Sherloc (09022015). Collection method: clinical testing. Allele origin: germline.
Comment: This sequence change replaces valine, which is neutral and non-polar, with alanine, which is neutral and non-polar, at codon 2627 of the NF1 protein (p.Val2627Ala). This variant is not present in population databases (gnomAD no frequency). This variant has not been reported in the literature in individuals affected with NF1-related conditions. ClinVar contains an entry for this variant (Variation ID: 2452317). Invitae Evidence Modeling of protein sequence and biophysical properties (such as structural, functional, and spatial information, amino acid conservation, physicochemical variation, residue mobility, and thermodynamic stability) has been performed for this missense variant. However, the output from this modeling did not meet the statistical confidence thresholds required to predict the impact of this variant on NF1 protein function. In summary, the available evidence is currently insufficient to determine the role of this variant in disease. Therefore, it has been classified as a Variant of Uncertain Significance.

Ambry Genetics
Classification: Uncertain significance for Cardiovascular phenotype; Hereditary cancer-predisposing syndrome. Last evaluated: 2025-02-28. Review status: criteria provided, single submitter. Criteria: Ambry Variant Classification Scheme 2023. Collection method: clinical testing. Allele origin: germline.
Comment: The p.V2627A variant (also known as c.7880T>C), located in coding exon 53 of the NF1 gene, results from a T to C substitution at nucleotide position 7880. The valine at codon 2627 is replaced by alanine, an amino acid with similar properties. This amino acid position is highly conserved in available vertebrate species. In addition, the in silico prediction for this alteration is inconclusive. Based on the available evidence, the clinical significance of this variant remains unclear.

NM_001042492.3(NF1):c.7943T>C (p.Val2648Ala)

Gene: NF1 (neurofibromin 1; plus strand). Cytogenetic location: 17q11.2.
Variant type: single nucleotide variant.
Coding change: c.7943T>C on transcript NM_001042492.3 (MANE Select); coding-DNA position 7943, T replaced by C.
Protein change: p.Val2648Ala; replaces valine 2648 with alanine.
Molecular consequence: missense variant.
Genome position (GRCh38, 1-based): chr17:31,357,342, T>C. VCF-style: chr17-31357342-T-C. GRCh37 (hg19) VCF-style: chr17-29684360-T-C.
Other names: c.7880T>C, p.Val2627Ala (NM_000267.4); short protein forms V2648A, V2627A.
Identifiers: ClinVar variation 2452317 (VCV002452317.6), dbSNP rs1487025591, ClinGen allele CA399203513.